The following is an entry in ClinVar:

ClinVar aggregate classification (germline): Uncertain significance (1 of 4 stars; one submission).

Conditions:
Gray platelet syndrome (GPS). Also called: BLEEDING DISORDER, PLATELET-TYPE, 4. Identifiers: Orphanet 721, MedGen C0272302, MONDO:0007686, OMIM 139090.

Submission:

NIHR Bioresource Rare Diseases, University of Cambridge
Classification: Uncertain significance for Gray platelet syndrome. Last evaluated: 2020-03-01. Review status: criteria provided, single submitter. Criteria: ACMG Guidelines, 2015. Collection method: research. Allele origin: unknown. Inheritance: Autosomal recessive inheritance. Affected: yes. Observed: 1 compound heterozygote.
Comment: ACMG criteria: PM2, PM4, PP4

Literature cited by the submitters: PubMed 32693407.

NM_015175.3(NBEAL2):c.1933TTC[1] (p.Phe646del)

Gene: NBEAL2 (neurobeachin like 2; plus strand). Cytogenetic location: 3p21.31.
Variant type: Microsatellite.
Coding change: c.1933TTC[1] on transcript NM_015175.3 (MANE Select); one copy of the 3-base unit TTC starting at c.1933; the reference has two copies in a row; one copy, 3 bases deleted.
Protein change: p.Phe646del; deletes phenylalanine 646.
Molecular consequence: inframe deletion.
Genome position (GRCh38, 1-based): chr3:46,995,751-46,995,753, TTC deleted; deleting any 3 consecutive bases within chr3:46,995,747-46,995,753 gives the same sequence; the position shown is the placement nearest the transcript's 3' end. VCF-style (leftmost placement, unchanged base first): chr3-46995746-CCTT-C. GRCh37 (hg19) VCF-style: chr3-47037236-CCTT-C.
Other names: c.1831TTC[1], p.Phe612del (NM_001365116.2); short protein forms F612del, F646del.
Identifiers: ClinVar variation 982283 (VCV000982283.1), dbSNP rs1203437621, ClinGen allele CA543042184.
Genomic context (GRCh38, chr3:46,995,746, plus strand): 5'-CAGACATAACTGGCTTGCCTGCCCCCAGCTTCTTTACCAGCAGCGGCTCAGGGTTTGAGG[CCTT>C]CTTCACGGCGGCCGGGACCCTGGTGGTGGCTGTGTGCACACGGAAGGAGTATTTGACCAT-3'